The following is an entry in ClinVar:

ClinVar aggregate classification (germline): Benign (1 of 4 stars; one submission).

Submission:

GeneDx
Classification: Benign. Last evaluated: 2018-06-19. Review status: criteria provided, single submitter. Criteria: GeneDx Variant Classification (06012015). Collection method: clinical testing. Allele origin: germline. Affected: yes.
Comment: This variant is considered likely benign or benign based on one or more of the following criteria: it is a conservative change, it occurs at a poorly conserved position in the protein, it is predicted to be benign by multiple in silico algorithms, and/or has population frequency not consistent with disease.

NM_001165963.4(SCN1A):c.2946+120del

Gene: SCN1A (sodium voltage-gated channel alpha subunit 1; minus strand). Cytogenetic location: 2q24.3.
Variant type: Deletion.
Coding change: c.2946+120del on transcript NM_001165963.4 (MANE Select); 120 bases into the intron after coding-DNA position 2946, one base deleted (A; older notation c.2946+120delA).
Molecular consequence: intron variant.
Genome position (GRCh38, 1-based): chr2:166,037,656, T deleted on the plus strand (A on the coding strand, the reverse complement: SCN1A is on the minus strand); the first of 9 consecutive T bases (chr2:166,037,656-166,037,664); deleting any one gives the same sequence. VCF-style (leftmost placement, unchanged base first): chr2-166037655-CT-C. GRCh37 (hg19) VCF-style: chr2-166894165-CT-C.
Other names: c.2913+120del (NM_001353949.2, NM_001353950.2, NM_001353951.2 and 2 more transcripts); c.2862+120del (NM_001353958.2, NM_001353957.2, NM_001165964.3); c.2946+120del (NM_001202435.3, NM_001353948.2); c.2910+120del (NM_001353955.2, NM_001353954.2); c.2859+120del (NM_001353960.2); c.504+120del (NM_001353961.2).
Identifiers: ClinVar variation 673989 (VCV000673989.1), dbSNP rs67819222, ClinGen allele CA59788318.